The following is an entry in ClinVar:

NM_002691.4(POLD1):c.1413C>T (p.Ser471=)

Gene: POLD1 (DNA polymerase delta 1, catalytic subunit; plus strand). Cytogenetic location: 19q13.33.
Variant type: single nucleotide variant.
Coding change: c.1413C>T on transcript NM_002691.4 (MANE Select); coding-DNA position 1413, C replaced by T.
Protein change: p.Ser471=; no amino-acid change (serine 471 retained).
Molecular consequence: synonymous variant. On other transcripts: non-coding transcript variant (1).
Genome position (GRCh38, 1-based): chr19:50,406,436, C>T. VCF-style: chr19-50406436-C-T. GRCh37 (hg19) VCF-style: chr19-50909693-C-T.
Other names: c.1413C>T, p.Ser471= (NM_001256849.1, NM_001308632.1).
Identifiers: ClinVar variation 1130536 (VCV001130536.12), dbSNP rs2122326640, ClinGen allele CA508304866.

ClinVar aggregate classification (germline): Benign/Likely benign. Review status: criteria provided, multiple submitters, no conflicts (2 of 4 stars). 3 submissions from 3 submitters: Benign (1); Likely benign (2). Last evaluated 2026-01-08.

Conditions:
POLD1-related polyposis and colorectal cancer syndrome (CRCS10). Also called: Colorectal cancer, susceptibility to, 10; Colorectal cancer 10; COLORECTAL CANCER, SUSCEPTIBILITY TO, ON CHROMOSOME 19q. Identifiers: Orphanet 220460, MedGen C2675481, MONDO:0012953, OMIM 612591.
Hereditary cancer-predisposing syndrome. Also called: Hereditary neoplastic syndrome; Neoplastic Syndromes, Hereditary; Tumor predisposition; Hereditary Cancer Syndrome. Identifiers: Orphanet 140162, MedGen C0027672, MeSH D009386, MONDO:0015356.

Allele frequency attached by ClinVar (database versions not stated): gnomAD exomes below 0.00001.
gnomAD v4.1: 1 of 1,600,416 alleles (0.000062%); highest among the groups gnomAD compares: Non-Finnish European, 0.000085%; no homozygotes.

Submissions (3):

Labcorp Genetics (formerly Invitae), Labcorp
Classification: Likely benign for POLD1-related polyposis and colorectal cancer syndrome. Last evaluated: 2026-01-08. Review status: criteria provided, single submitter. Criteria: Invitae Variant Classification Sherloc (09022015). Collection method: clinical testing. Allele origin: germline.

Myriad Genetics, Inc.
Classification: Benign for POLD1-related polyposis and colorectal cancer syndrome. Last evaluated: 2025-02-06. Review status: criteria provided, single submitter. Criteria: Myriad Autosomal Dominant, Autosomal Recessive and X-Linked Classification Criteria (2023). Collection method: clinical testing. Allele origin: unknown.
Comment: This variant is considered benign. This variant is a silent/synonymous amino acid change and it is not expected to impact splicing.

Ambry Genetics
Classification: Likely benign for Hereditary cancer-predisposing syndrome. Last evaluated: 2022-01-12. Review status: criteria provided, single submitter. Criteria: Ambry Variant Classification Scheme 2023. Collection method: clinical testing. Allele origin: germline.